The following is an entry in ClinVar:

NM_174934.4(SCN4B):c.463+5G>A

Genes: SCN4B (sodium voltage-gated channel beta subunit 4; minus strand), LOC126861356 (BRD4-independent group 4 enhancer GRCh37_chr11:118014519-118015718; plus strand). Cytogenetic location: 11q23.3.
Variant type: single nucleotide variant.
Coding change: c.463+5G>A on transcript NM_174934.4 (MANE Select); 5 bases into the intron after coding-DNA position 463, G replaced by A.
Molecular consequence: intron variant.
Genome position (GRCh38, 1-based): chr11:118,143,828, C>T on the plus strand (G>A on the coding strand, the complement: SCN4B is on the minus strand). VCF-style: chr11-118143828-C-T. GRCh37 (hg19) VCF-style: chr11-118014543-C-T.
Other names: c.62-2492G>A (NM_001142348.2); c.133+5G>A (NM_001142349.2).
Identifiers: ClinVar variation 190898 (VCV000190898.2), dbSNP rs786205839, ClinGen allele CA302231.

ClinVar aggregate classification (germline): Uncertain significance (1 of 4 stars; one submission).

Submission:

GeneDx
Classification: Uncertain significance. Last evaluated: 2013-01-28. Review status: criteria provided, single submitter. Criteria: GeneDx Variant Classification (06012015). Collection method: clinical testing. Allele origin: germline. Affected: yes.
Comment: The c.463+5 G>A variant has not been reported as a disease-causing mutation or as a benign polymorphism to our knowledge. This variant is predicted to reduce the splice donor site function in intron 3, which leads to abnormal gene splicing. The variant is predicted to lead to either an abnormal message that is subject to nonsense-mediated mRNA decay, or to an abnormal protein product if the message is used for protein translation. Nevertheless, no splice site mutations in the SCN4B gene have been reported in association with LQTS. With the clinical and molecular information available at this time, we cannot definitively determine if c.463+5 G>A is a disease-causing mutation or a rare benign variant. The variant is found in LQT panel(s).